The following is an entry in ClinVar:

NM_001371623.1(TCOF1):c.1560dup (p.Ala521fs)

Gene: TCOF1 (treacle ribosome biogenesis factor 1; plus strand). Cytogenetic location: 5q32.
Variant type: Duplication.
Coding change: c.1560dup on transcript NM_001371623.1 (MANE Select); coding-DNA position 1560, one base duplicated (C; older notation c.1560dupC).
Protein change: p.Ala521fs; shifts the reading frame from alanine 521.
Molecular consequence: frameshift variant.
Genome position (GRCh38, 1-based): chr5:150,375,410, C duplicated. VCF-style (leftmost placement, unchanged base first): chr5-150375409-G-GC. GRCh37 (hg19) VCF-style: chr5-149754972-G-GC.
Other names: c.1560dupC (NM_001135243.1); c.1329dup, p.Ala444fs (NM_000356.4, NM_001135245.2); c.1560dup, p.Ala521fs (NM_001008657.3, NM_001135243.2, NM_001135244.2 and 1 more transcripts); short protein forms A521fs, A444fs.
Identifiers: ClinVar variation 645291 (VCV000645291.9), dbSNP rs1581114957, ClinGen allele CA915942675.

ClinVar aggregate classification (germline): Pathogenic (1 of 4 stars; one submission).

Conditions:
Treacher Collins syndrome 1 (TCS1). Also called: TCOF1-Related Treacher Collins Syndrome. Identifiers: Orphanet 861, MedGen CN315775, MONDO:0007944, OMIM 154500.

Submission:

Labcorp Genetics (formerly Invitae), Labcorp
Classification: Pathogenic for Treacher Collins syndrome 1. Last evaluated: 2018-11-01. Review status: criteria provided, single submitter. Criteria: Invitae Variant Classification Sherloc (09022015). Collection method: clinical testing. Allele origin: germline.
Comment: For these reasons, this variant has been classified as Pathogenic. Loss-of-function variants in TCOF1 are known to be pathogenic (PMID: 8894686, 22317976). This variant is not present in population databases (ExAC no frequency). This sequence change creates a premature translational stop signal (p.Ala521Argfs*29) in the TCOF1 gene. It is expected to result in an absent or disrupted protein product.

Literature cited by the submitters: PubMed 8894686; PubMed 22317976.